The following is an entry in ClinVar:

NM_001374353.1(GLI2):c.1876G>A (p.Val626Ile)

Gene: GLI2 (GLI family zinc finger 2; plus strand). Cytogenetic location: 2q14.2.
Variant type: single nucleotide variant.
Coding change: c.1876G>A on transcript NM_001374353.1 (MANE Select); coding-DNA position 1876, G replaced by A.
Protein change: p.Val626Ile; replaces valine 626 with isoleucine.
Molecular consequence: missense variant.
Genome position (GRCh38, 1-based): chr2:120,984,714, G>A. VCF-style: chr2-120984714-G-A. GRCh37 (hg19) VCF-style: chr2-121742290-G-A.
Other names: c.1927G>A, p.Val643Ile (NM_001371271.1, NM_005270.5); c.1501G>A, p.Val501Ile (NM_001374354.1); short protein forms V626I, V501I, V643I.
Identifiers: ClinVar variation 3281563 (VCV003281563.2).
Genomic context (GRCh38, chr2:120,984,714, plus strand): 5'-GGCGGCCCAGAGAGCACCGAGGCCAGCAGCACCAGCCAGGCCGTGGAGGACTGCCTGCAC[G>A]TCAGAGCCATCAAGACCGAGAGCTCCGGGGTAAGCGGAGCTGGGCAGCCCAGCCACGCAA-3'
Protein context (NP_001361282.1, residues 616-636): TSQAVEDCLH[Val626Ile]RAIKTESSGL

ClinVar aggregate classification (germline): Conflicting classifications of pathogenicity. Review status: criteria provided, conflicting classifications (1 of 4 stars). 2 submissions from 2 submitters: Uncertain significance (1); Likely benign (1). Last evaluated 2025-05-14.

Conditions:
Holoprosencephaly 9 (HPE9). Also called: PITUITARY ANOMALIES WITH HOLOPROSENCEPHALY-LIKE FEATURES; HOLOPROSENCEPHALY WITH MICROPHTHALMIA AND FIRST BRANCHIAL ARCH ANOMALIES. Identifiers: Orphanet 2162, MedGen C1835819, MONDO:0012563, OMIM 610829.
Postaxial polydactyly-anterior pituitary anomalies-facial dysmorphism syndrome. Also called: Culler-Jones syndrome. Identifiers: Orphanet 420584, MedGen C4014479, MONDO:0014369, OMIM 615849.
Inborn genetic diseases. Identifiers: MedGen C0950123, MeSH D030342.

gnomAD v4.1: 50 of 1,613,180 alleles (0.0031%); highest among the groups gnomAD compares: South Asian, 0.033%; no homozygotes.

Submissions (2):

Labcorp Genetics (formerly Invitae), Labcorp
Classification: Uncertain significance for Postaxial polydactyly-anterior pituitary anomalies-facial dysmorphism syndrome; Holoprosencephaly 9. Last evaluated: 2025-05-14. Review status: criteria provided, single submitter. Criteria: Invitae Variant Classification Sherloc (09022015). Collection method: clinical testing. Allele origin: germline.
Comment: This sequence change replaces valine, which is neutral and non-polar, with isoleucine, which is neutral and non-polar, at codon 643 of the GLI2 protein (p.Val643Ile). This variant is present in population databases (rs773204708, gnomAD 0.03%), and has an allele count higher than expected for a pathogenic variant. This variant has not been reported in the literature in individuals affected with GLI2-related conditions. ClinVar contains an entry for this variant (Variation ID: 3281563). Invitae Evidence Modeling of protein sequence and biophysical properties (such as structural, functional, and spatial information, amino acid conservation, physicochemical variation, residue mobility, and thermodynamic stability) indicates that this missense variant is not expected to disrupt GLI2 protein function with a negative predictive value of 80%. In summary, the available evidence is currently insufficient to determine the role of this variant in disease. Therefore, it has been classified as a Variant of Uncertain Significance.

Ambry Genetics
Classification: Likely benign for Inborn genetic diseases. Last evaluated: 2024-05-28. Review status: criteria provided, single submitter. Criteria: Ambry Variant Classification Scheme 2023. Collection method: clinical testing. Allele origin: germline.